The following is an entry in ClinVar:

ClinVar aggregate classification (germline): Uncertain significance. Review status: criteria provided, multiple submitters, no conflicts (2 of 4 stars). 3 submissions from 3 submitters: Uncertain significance (3). Last evaluated 2024-09-15.

Conditions:
Inborn genetic diseases. Identifiers: MedGen C0950123, MeSH D030342.
Seckel syndrome 9 (SCKL9). Identifiers: Orphanet 808, MedGen C4225212, MONDO:0014767, OMIM 616777.

Allele frequency attached by ClinVar (database versions not stated): gnomAD 0.00001; TOPMed 0.00001; ExAC 0.00002; gnomAD exomes 0.00002 and 0.00005.
gnomAD v4.1: 16 of 1,610,706 alleles (0.00099%); highest among the groups gnomAD compares: Admixed American, 0.025%; no homozygotes.

Submissions (3):

Labcorp Genetics (formerly Invitae), Labcorp
Classification: Uncertain significance. Last evaluated: 2024-09-15. Review status: criteria provided, single submitter. Criteria: Invitae Variant Classification Sherloc (09022015). Collection method: clinical testing. Allele origin: germline.
Comment: This sequence change replaces lysine, which is basic and polar, with arginine, which is basic and polar, at codon 61 of the TRAIP protein (p.Lys61Arg). This variant is present in population databases (rs751919007, gnomAD 0.04%). This variant has not been reported in the literature in individuals affected with TRAIP-related conditions. ClinVar contains an entry for this variant (Variation ID: 1032372). An algorithm developed to predict the effect of missense changes on protein structure and function (PolyPhen-2) suggests that this variant is likely to be disruptive. In summary, the available evidence is currently insufficient to determine the role of this variant in disease. Therefore, it has been classified as a Variant of Uncertain Significance.

Ambry Genetics
Classification: Uncertain significance for Inborn genetic diseases. Last evaluated: 2022-11-30. Review status: criteria provided, single submitter. Criteria: Ambry Variant Classification Scheme 2023. Collection method: clinical testing. Allele origin: germline.

Baylor Genetics
Classification: Uncertain significance for Seckel syndrome 9. Last evaluated: 2018-05-10. Review status: criteria provided, single submitter. Criteria: ACMG Guidelines, 2015. Collection method: clinical testing. Allele origin: maternal. Affected: yes.
Comment: This variant was determined to be of uncertain significance according to ACMG Guidelines, 2015 [PMID:25741868].

NM_005879.3(TRAIP):c.182A>G (p.Lys61Arg)

Gene: TRAIP (TRAF interacting protein; minus strand). Cytogenetic location: 3p21.31.
Variant type: single nucleotide variant.
Coding change: c.182A>G on transcript NM_005879.3 (MANE Select); coding-DNA position 182, A replaced by G.
Protein change: p.Lys61Arg; replaces lysine 61 with arginine.
Molecular consequence: missense variant.
Genome position (GRCh38, 1-based): chr3:49,847,583, T>C on the plus strand (A>G on the coding strand, the complement: TRAIP is on the minus strand). VCF-style: chr3-49847583-T-C. GRCh37 (hg19) VCF-style: chr3-49885016-T-C.
Other names: short protein forms K61R.
Identifiers: ClinVar variation 1032372 (VCV001032372.4), dbSNP rs751919007, ClinGen allele CA2407920.
Genomic context (GRCh38, chr3:49,847,583, plus strand): 5'-ACCTTTAAGAATTCTGCATCCAAGACATTCTCCTCCTCCTGGGCAAGATCAAAGAAGAGC[T>C]TATTGATAATGGTTCTTTTGCCAACCTGGATGGGAGAACAAGGTAAGAGTATGATTGTGT-3'
Protein context (NP_005870.2, residues 51-71): IQVGKRTIIN[Lys61Arg]LFFDLAQEEE